The following is an entry in ClinVar:

NM_018418.5(SPATA7):c.923G>A (p.Cys308Tyr)

Gene: SPATA7 (spermatogenesis associated 7; plus strand). Cytogenetic location: 14q31.3.
Variant type: single nucleotide variant.
Coding change: c.923G>A on transcript NM_018418.5 (MANE Select); coding-DNA position 923, G replaced by A.
Protein change: p.Cys308Tyr; replaces cysteine 308 with tyrosine.
Molecular consequence: missense variant.
Genome position (GRCh38, 1-based): chr14:88,429,358, G>A. VCF-style: chr14-88429358-G-A. GRCh37 (hg19) VCF-style: chr14-88895702-G-A.
Other names: c.827G>A, p.Cys276Tyr (NM_001040428.4); short protein forms C308Y, C276Y.
Identifiers: ClinVar variation 421703 (VCV000421703.15), dbSNP rs138190453, ClinGen allele CA7298651.

ClinVar aggregate classification (germline): Conflicting classifications of pathogenicity. Review status: criteria provided, conflicting classifications (1 of 4 stars). 3 submissions from 3 submitters: Uncertain significance (1); Likely benign (2). Last evaluated 2026-02-04.

Conditions:
Leber congenital amaurosis 3 (LCA3). Also called: SPATA7-Related Retinitis Pigmentosa. Identifiers: MedGen C1858677, MONDO:0011415, OMIM 604232.

Allele frequency attached by ClinVar (database versions not stated): gnomAD exomes 0.00021 and 0.00054; ExAC 0.00061; gnomAD 0.00188 and 0.00201; 1000 Genomes Project 0.00200; TOPMed 0.00206; ESP Exome Variant Server 0.00208; 1000 Genomes Project 30x 0.00219.

Submissions (3):

Labcorp Genetics (formerly Invitae), Labcorp
Classification: Likely benign for Leber congenital amaurosis 3. Last evaluated: 2026-02-04. Review status: criteria provided, single submitter. Criteria: Invitae Variant Classification Sherloc (09022015). Collection method: clinical testing. Allele origin: germline.

Blueprint Genetics
Classification: Likely benign. Last evaluated: 2024-09-16. Review status: criteria provided, single submitter. Criteria: ACMG Guidelines, 2015. Collection method: clinical testing. Allele origin: germline.

GeneDx
Classification: Uncertain significance. Last evaluated: 2019-06-06. Review status: criteria provided, single submitter. Criteria: GeneDx Variant Classification Process June 2021. Collection method: clinical testing. Allele origin: germline. Affected: yes.
Comment: Has not been previously published as pathogenic or benign to our knowledge; In silico analysis, which includes protein predictors and evolutionary conservation, supports that this variant does not alter protein structure/function